The following is an entry in ClinVar:

ClinVar aggregate classification (germline): Conflicting classifications of pathogenicity. Review status: criteria provided, conflicting classifications (1 of 4 stars). 4 submissions from 4 submitters: Likely pathogenic (1); Uncertain significance (3). Last evaluated 2025-12-07.

Conditions:
Hereditary cancer-predisposing syndrome. Also called: Hereditary neoplastic syndrome; Neoplastic Syndromes, Hereditary; Tumor predisposition; Hereditary Cancer Syndrome. Identifiers: Orphanet 140162, MedGen C0027672, MeSH D009386, MONDO:0015356.
Ataxia-telangiectasia syndrome (AT). Also called: Ataxia telangiectasia (A-T); LOUIS-BAR SYNDROME; Cerebello-oculocutaneous telangiectasia; Immunodeficiency with ataxia telangiectasia; Ataxia-telangiectasia, complementation group D; AT, COMPLEMENTATION GROUP C. Identifiers: Orphanet 100, MedGen C0004135, MONDO:0008840, OMIM 208900.

Allele frequency attached by ClinVar (database versions not stated): TOPMed below 0.00001; gnomAD 0.00001.
gnomAD v4.1: 4 of 1,613,080 alleles (0.00025%); highest among the groups gnomAD compares: Non-Finnish European, 0.00034%; no homozygotes.

Submissions (4):

Labcorp Genetics (formerly Invitae), Labcorp
Classification: Uncertain significance for Ataxia-telangiectasia syndrome. Last evaluated: 2025-12-07. Review status: criteria provided, single submitter. Criteria: Invitae Variant Classification Sherloc (09022015). Collection method: clinical testing. Allele origin: germline.
Comment: This sequence change falls in intron 15 of the ATM gene. It does not directly change the encoded amino acid sequence of the ATM protein. It affects a nucleotide within the consensus splice site. This variant is not present in population databases (gnomAD no frequency). This variant has not been reported in the literature in individuals affected with ATM-related conditions. ClinVar contains an entry for this variant (Variation ID: 407513). Variants that disrupt the consensus splice site are a relatively common cause of aberrant splicing (PMID: 17576681, 9536098). Algorithms developed to predict the effect of sequence changes on RNA splicing suggest that this variant may disrupt the consensus splice site. In summary, the available evidence is currently insufficient to determine the role of this variant in disease. Therefore, it has been classified as a Variant of Uncertain Significance.

Women's Health and Genetics/Laboratory Corporation of America, LabCorp
Classification: Uncertain significance. Last evaluated: 2025-09-18. Review status: criteria provided, single submitter. Criteria: LabCorp Variant Classification Summary - May 2015. Collection method: clinical testing. Allele origin: germline.
Comment: Variant summary: ATM c.2376+3A>T alters a non-conserved nucleotide located close to a canonical splice site and therefore could affect mRNA splicing, leading to a significantly altered protein sequence. Several computational tools predict a significant impact on normal splicing: Three predict the variant weakens the canonical 5' donor site. One predict the variant abolishes the canonical 5' splicing donor site. However, these predictions have yet to be confirmed by functional studies. The variant was absent in 251002 control chromosomes. The available data on variant occurrences in the general population are insufficient to allow any conclusion about variant significance. To our knowledge, no occurrence of c.2376+3A>T in individuals affected with ATM-related conditions and no experimental evidence demonstrating its impact on protein function have been reported. ClinVar contains an entry for this variant (Variation ID: 407513). Based on the evidence outlined above, the variant was classified as uncertain significance.

Ambry Genetics
Classification: Likely pathogenic for Hereditary cancer-predisposing syndrome. Last evaluated: 2024-12-12. Review status: criteria provided, single submitter. Criteria: Ambry Variant Classification Scheme 2023. Collection method: clinical testing. Allele origin: germline.
Comment: The c.2376+3A>T intronic variant results from an A to T substitution 3 nucleotides after coding exon 14 in the ATM gene. This nucleotide position is highly conserved in available vertebrate species. In silico splice site analysis predicts that this alteration will weaken the native splice donor site. RNA studies have demonstrated that this alteration results in abnormal splicing in the set of samples tested (Ambry internal data). This variant is considered to be rare based on population cohorts in the Genome Aggregation Database (gnomAD). Based on the majority of available evidence to date, this variant is likely to be pathogenic.

Color Diagnostics, LLC DBA Color Health
Classification: Uncertain significance for Hereditary cancer-predisposing syndrome. Last evaluated: 2021-10-19. Review status: criteria provided, single submitter. Criteria: ACMG Guidelines, 2015. Collection method: clinical testing. Allele origin: germline.
Comment: This variant causes an A to T nucleotide substitution at the +3 position of intron 15 of the ATM gene. To our knowledge, functional studies have not been reported for this variant. This variant has not been reported in individuals affected with hereditary cancer in the literature. This variant has not been identified in the general population by the Genome Aggregation Database (gnomAD). The available evidence is insufficient to determine the role of this variant in disease conclusively. Therefore, this variant is classified as a Variant of Uncertain Significance.

Literature cited by the submitters: PubMed 17576681 (cited by Labcorp Genetics (formerly Invitae), Labcorp); PubMed 9536098 (cited by Labcorp Genetics (formerly Invitae), Labcorp).

NM_000051.4(ATM):c.2376+3A>T

Gene: ATM (ATM serine/threonine kinase; plus strand). Cytogenetic location: 11q22.3.
Variant type: single nucleotide variant.
Coding change: c.2376+3A>T on transcript NM_000051.4 (MANE Select); 3 bases into the intron after coding-DNA position 2376, A replaced by T.
Molecular consequence: intron variant.
Genome position (GRCh38, 1-based): chr11:108,257,609, A>T. VCF-style: chr11-108257609-A-T. GRCh37 (hg19) VCF-style: chr11-108128336-A-T.
Other names: c.2376+3A>T (NM_001351834.2).
Identifiers: ClinVar variation 407513 (VCV000407513.15), dbSNP rs758083563, ClinGen allele CA16613279.